The following is an entry in ClinVar:

NM_017934.7(PHIP):c.1524+10A>G

Gene: PHIP (PHIP subunit of CUL4-Ring ligase complex; minus strand). Cytogenetic location: 6q14.1.
Variant type: single nucleotide variant.
Coding change: c.1524+10A>G on transcript NM_017934.7 (MANE Select); 10 bases into the intron after coding-DNA position 1524, A replaced by G.
Molecular consequence: intron variant.
Genome position (GRCh38, 1-based): chr6:79,015,072, T>C on the plus strand (A>G on the coding strand, the complement: PHIP is on the minus strand). VCF-style: chr6-79015072-T-C. GRCh37 (hg19) VCF-style: chr6-79724789-T-C.
Identifiers: ClinVar variation 4996926 (VCV004996926.1).

ClinVar aggregate classification (germline): Likely benign (1 of 4 stars; one submission).

Conditions:
PHIP-related disorder. Also called: PHIP-related condition; PHIP-related disorders.

Submission:

PreventionGenetics, part of Exact Sciences
Classification: Likely benign for PHIP-related condition. Last evaluated: 2025-08-04. Review status: criteria provided, single submitter. Criteria: ACMG Guidelines, 2015. Collection method: clinical testing. Allele origin: germline.
Comment: This variant is classified as likely benign based on ACMG/AMP sequence variant interpretation guidelines (Richards et al. 2015 PMID: 25741868, with internal and published modifications).